The following is an entry in ClinVar:

ClinVar aggregate classification (germline): Uncertain significance (1 of 4 stars; one submission).

Conditions:
Arrhythmogenic cardiomyopathy with wooly hair and keratoderma. Also called: PALMOPLANTAR KERATODERMA WITH LEFT VENTRICULAR CARDIOMYOPATHY AND WOOLLY HAIR; Carvajal syndrome; Dilated cardiomyopathy with woolly hair and keratoderma; Arrhythmogenic cardiomyopathy with woolly hair and keratoderma. Identifiers: Orphanet 65282, MedGen C1854063, MONDO:0011581, OMIM 605676.

gnomAD v4.1: 4 of 1,613,928 alleles (0.00025%); highest among the groups gnomAD compares: Non-Finnish European, 0.00034%; no homozygotes.

Submission:

All of Us Research Program, National Institutes of Health
Classification: Uncertain significance for Arrhythmogenic cardiomyopathy with wooly hair and keratoderma. Last evaluated: 2023-05-04. Review status: criteria provided, single submitter. Criteria: ACMG Guidelines, 2015. Collection method: clinical testing. Allele origin: germline. Inheritance: Autosomal dominant inheritance. Observed: 1 variant allele, 1 heterozygote.
Comment: This missense variant replaces arginine with leucine at codon 925 of the DSP protein. Computational prediction suggests that this variant may not impact protein structure and function (internally defined REVEL score threshold <= 0.5, PMID: 27666373). To our knowledge, functional studies have not been reported for this variant. This variant has not been reported in individuals affected with DSP-related disorders in the literature. This variant has been identified in 1/251362 chromosomes in the general population by the Genome Aggregation Database (gnomAD). The available evidence is insufficient to determine the role of this variant in disease conclusively. Therefore, this variant is classified as a Variant of Uncertain Significance.

This study involves interpretation of variants in research participants for the purpose of population health screening. Participant phenotype was not available at the time of variant classification. Additional details can be found in publication PMID: 35346344, PMCID: PMC8962531

NM_004415.4(DSP):c.2774G>T (p.Arg925Leu)

Gene: DSP (desmoplakin; plus strand). Cytogenetic location: 6p24.3.
Variant type: single nucleotide variant.
Coding change: c.2774G>T on transcript NM_004415.4 (MANE Select); coding-DNA position 2774, G replaced by T.
Protein change: p.Arg925Leu; replaces arginine 925 with leucine.
Molecular consequence: missense variant.
Genome position (GRCh38, 1-based): chr6:7,576,437, G>T. VCF-style: chr6-7576437-G-T. GRCh37 (hg19) VCF-style: chr6-7576670-G-T.
Other names: c.2774G>T, p.Arg925Leu (NM_001008844.3, NM_001319034.2); short protein forms R925L.
Identifiers: ClinVar variation 3070786 (VCV003070786.1), dbSNP rs139799237, ClinGen allele CA133964239.
Genomic context (GRCh38, chr6:7,576,437, plus strand): 5'-CTAAACGCCGCCAGGATTCCTTAGAATCCATGAAATTTGGAGATTCCAACACAGTCATGC[G>T]GTTTTTGAATGAGCAGAAGGTATAAGCCAACTTTTTGTTCCATAGCTGTTTTGAGATTAA-3'
Protein context (NP_004406.2, residues 915-935): MKFGDSNTVM[Arg925Leu]FLNEQKNLHS